The following is an entry in ClinVar:

ClinVar aggregate classification (germline): Benign/Likely benign. Review status: criteria provided, multiple submitters, no conflicts (2 of 4 stars). 4 submissions from 4 submitters: Benign (1); Likely benign (3). Last evaluated 2025-09-21.

Conditions:
Inborn genetic diseases. Identifiers: MedGen C0950123, MeSH D030342.

Allele frequency attached by ClinVar (database versions not stated): gnomAD exomes 0.00003; ExAC 0.00020; gnomAD 0.00029; TOPMed 0.00043; ESP Exome Variant Server 0.00046; 1000 Genomes Project 30x 0.00094; 1000 Genomes Project 0.00120.
gnomAD v4.1: 92 of 1,612,514 alleles (0.0057%); highest among the groups gnomAD compares: African/African-American, 0.099%; 1 homozygote.

Submissions (4):

Labcorp Genetics (formerly Invitae), Labcorp
Classification: Likely benign. Last evaluated: 2025-09-21. Review status: criteria provided, single submitter. Criteria: Invitae Variant Classification Sherloc (09022015). Collection method: clinical testing. Allele origin: germline.

Ambry Genetics
Classification: Likely benign for Inborn genetic diseases. Last evaluated: 2025-08-21. Review status: criteria provided, single submitter. Criteria: Ambry Variant Classification Scheme 2023. Collection method: clinical testing. Allele origin: germline.

Blueprint Genetics
Classification: Likely benign. Last evaluated: 2024-11-13. Review status: criteria provided, single submitter. Criteria: ACMG Guidelines, 2015. Collection method: clinical testing. Allele origin: germline.

CeGaT Center for Human Genetics Tuebingen
Classification: Benign. Last evaluated: 2022-09-01. Review status: criteria provided, single submitter. Criteria: CeGaT Center For Human Genetics Tuebingen Variant Classification Criteria Version 2. Collection method: clinical testing. Allele origin: germline. Affected: yes. Observed: 1 variant allele.
Comment: MACF1: BS1, BS2

NM_001394062.1(MACF1):c.13080G>T (p.Gln4360His)

Gene: MACF1 (microtubule actin crosslinking factor 1; plus strand). Cytogenetic location: 1p34.3.
Variant type: single nucleotide variant.
Coding change: c.13080G>T on transcript NM_001394062.1 (MANE Select); coding-DNA position 13080, G replaced by T.
Protein change: p.Gln4360His; replaces glutamine 4360 with histidine.
Molecular consequence: missense variant.
Genome position (GRCh38, 1-based): chr1:39,370,171, G>T. VCF-style: chr1-39370171-G-T. GRCh37 (hg19) VCF-style: chr1-39835843-G-T.
Other names: c.6894G>T (NM_012090.4); c.6894G>T, p.Gln2298His (NM_012090.5); short protein forms Q2298H, Q4360H.
Identifiers: ClinVar variation 2057322 (VCV002057322.30), dbSNP rs150053411, ClinGen allele CA781945.